The following is an entry in ClinVar:

ClinVar aggregate classification (germline): Uncertain significance (1 of 4 stars; one submission).

Conditions:
Adenylosuccinate lyase deficiency (ADSLD). Also called: ADSL DEFICIENCY. Identifiers: Orphanet 46, MedGen C0268126, MONDO:0007068, OMIM 103050.

Submission:

Labcorp Genetics (formerly Invitae), Labcorp
Classification: Uncertain significance for Adenylosuccinate lyase deficiency. Last evaluated: 2024-01-19. Review status: criteria provided, single submitter. Criteria: Invitae Variant Classification Sherloc (09022015). Collection method: clinical testing. Allele origin: germline.
Comment: This sequence change replaces alanine, which is neutral and non-polar, with valine, which is neutral and non-polar, at codon 260 of the ADSL protein (p.Ala260Val). This variant is not present in population databases (gnomAD no frequency). This variant has not been reported in the literature in individuals affected with ADSL-related conditions. ClinVar contains an entry for this variant (Variation ID: 644120). Advanced modeling of protein sequence and biophysical properties (such as structural, functional, and spatial information, amino acid conservation, physicochemical variation, residue mobility, and thermodynamic stability) performed at Invitae indicates that this missense variant is not expected to disrupt ADSL protein function with a negative predictive value of 80%. In summary, the available evidence is currently insufficient to determine the role of this variant in disease. Therefore, it has been classified as a Variant of Uncertain Significance.

NM_000026.4(ADSL):c.779C>T (p.Ala260Val)

Gene: ADSL (adenylosuccinate lyase; plus strand). Cytogenetic location: 22q13.1.
Variant type: single nucleotide variant.
Coding change: c.779C>T on transcript NM_000026.4 (MANE Select); coding-DNA position 779, C replaced by T.
Protein change: p.Ala260Val; replaces alanine 260 with valine.
Molecular consequence: missense variant. On other transcripts: non-coding transcript variant (1).
Genome position (GRCh38, 1-based): chr22:40,360,479, C>T. VCF-style: chr22-40360479-C-T. GRCh37 (hg19) VCF-style: chr22-40756483-C-T.
Other names: c.779C>T, p.Ala260Val (NM_001363840.3, NM_001123378.3); c.587C>T, p.Ala196Val (NM_001317923.2); short protein forms A196V, A260V.
Identifiers: ClinVar variation 644120 (VCV000644120.6), dbSNP rs1601586537, ClinGen allele CA411642789.